The following is an entry in ClinVar:

NM_000535.7(PMS2):c.903+84C>T

Gene: PMS2 (PMS1 homolog 2, mismatch repair system component; minus strand). Cytogenetic location: 7p22.1.
Variant type: single nucleotide variant.
Coding change: c.903+84C>T on transcript NM_000535.7 (MANE Select); 84 bases into the intron after coding-DNA position 903, C replaced by T.
Molecular consequence: intron variant.
Genome position (GRCh38, 1-based): chr7:5,995,450, G>A on the plus strand (C>T on the coding strand, the complement: PMS2 is on the minus strand). VCF-style: chr7-5995450-G-A. GRCh37 (hg19) VCF-style: chr7-6035081-G-A.
Other names: c.585+84C>T (NM_001322008.2, NM_001322007.2); c.498+84C>T (NM_001322010.2, NM_001322004.2, NM_001322003.2 and 2 more transcripts); c.330+84C>T (NM_001322013.2); c.-31+84C>T (NM_001322012.2, NM_001322011.2); c.594+84C>T (NM_001322015.2); c.903+84C>T (NM_001322006.2, NM_001322014.2).
Identifiers: ClinVar variation 596289 (VCV000596289.14), dbSNP rs3815383, ClinGen allele CA12554750.

ClinVar aggregate classification (germline): Benign. Review status: criteria provided, multiple submitters, no conflicts (2 of 4 stars). 3 submissions from 3 submitters: Benign (3). Last evaluated 2026-02-02.

Conditions:
Hereditary nonpolyposis colorectal neoplasms. Identifiers: MedGen C0009405, MeSH D003123.

Allele frequency attached by ClinVar (database versions not stated): gnomAD 0.04877 and 0.05679; TOPMed 0.05212; gnomAD exomes 0.07794; 1000 Genomes Project 30x 0.11212; 1000 Genomes Project 0.11801.
gnomAD v4.1: 61,772 of 836,554 alleles (7.4%); highest among the groups gnomAD compares: East Asian, 36%; 4,767 homozygotes.

Submissions (3):

Labcorp Genetics (formerly Invitae), Labcorp
Classification: Benign for Hereditary nonpolyposis colorectal neoplasms. Last evaluated: 2026-02-02. Review status: criteria provided, single submitter. Criteria: Invitae Variant Classification Sherloc (09022015). Collection method: clinical testing. Allele origin: germline.

Eurofins Ntd Llc (ga)
Classification: Benign. Last evaluated: 2018-03-19. Review status: criteria provided, single submitter. Criteria: EGL ClinVar v180209 classification definitions. Collection method: clinical testing. Allele origin: germline. Observed: 2 variant alleles, 2 heterozygotes.

GeneDx
Classification: Benign. Last evaluated: 2015-03-03. Review status: criteria provided, single submitter. Criteria: GeneDx Variant Classification Process June 2021. Collection method: clinical testing. Allele origin: germline. Affected: yes.
Comment: This variant is associated with the following publications: (PMID: 28874130)